The following is an entry in ClinVar:

NM_000532.5(PCCB):c.1090_1090+1insTC

Gene: PCCB (propionyl-CoA carboxylase subunit beta; plus strand). Cytogenetic location: 3q22.3.
Variant type: Insertion.
Coding change: c.1090_1090+1insTC on transcript NM_000532.5 (MANE Select); coding-DNA position 1090 through the canonical splice donor site of the intron after coding-DNA position 1090, TC inserted.
Molecular consequence: splice donor variant.
Genome position: GRCh38 VCF-style: chr3-136317064-G-GTC. GRCh37 (hg19) VCF-style: chr3-136035906-G-GTC.
Other names: c.1150_1150+1insTC (NM_001178014.2).
Identifiers: ClinVar variation 1910820 (VCV001910820.5), dbSNP rs2529937598, ClinGen allele CA2580068822.

ClinVar aggregate classification (germline): Pathogenic (1 of 4 stars; one submission).

Conditions:
Propionic acidemia (PROP). Also called: GLYCINEMIA, KETOTIC; HYPERGLYCINEMIA WITH KETOACIDOSIS AND LEUKOPENIA; KETOTIC HYPERGLYCINEMIA. Identifiers: Orphanet 35, MedGen C0268579, MONDO:0011628, OMIM 606054, HP:0003571.

Submission:

Labcorp Genetics (formerly Invitae), Labcorp
Classification: Pathogenic for Propionic acidemia. Last evaluated: 2022-08-20. Review status: criteria provided, single submitter. Criteria: Invitae Variant Classification Sherloc (09022015). Collection method: clinical testing. Allele origin: germline.
Comment: This sequence change creates a premature translational stop signal (p.Gly364Valfs*10) in the PCCB gene. It is expected to result in an absent or disrupted protein product. Loss-of-function variants in PCCB are known to be pathogenic (PMID: 15464417). This variant is not present in population databases (gnomAD no frequency). This variant has not been reported in the literature in individuals affected with PCCB-related conditions. Algorithms developed to predict the effect of sequence changes on RNA splicing suggest that this variant may disrupt the consensus splice site. For these reasons, this variant has been classified as Pathogenic.

Literature cited by the submitters: PubMed 15464417.